The following is an entry in ClinVar:

ClinVar aggregate classification (germline): Uncertain significance. Review status: criteria provided, multiple submitters, no conflicts (2 of 4 stars). 2 submissions from 2 submitters: Uncertain significance (2). Last evaluated 2024-12-29.

Conditions:
Ataxia-telangiectasia syndrome (AT). Also called: LOUIS-BAR SYNDROME; Cerebello-oculocutaneous telangiectasia; Immunodeficiency with ataxia telangiectasia; Ataxia-telangiectasia, complementation group E; Ataxia-telangiectasia, complementation group D; AT, COMPLEMENTATION GROUP C. Identifiers: Orphanet 100, MedGen C0004135, MONDO:0008840, OMIM 208900.
Hereditary cancer-predisposing syndrome. Also called: Hereditary Cancer Syndrome; Hereditary neoplastic syndrome; Neoplastic Syndromes, Hereditary; Tumor predisposition. Identifiers: Orphanet 140162, MedGen C0027672, MeSH D009386, MONDO:0015356.

Submissions (2):

Labcorp Genetics (formerly Invitae), Labcorp
Classification: Uncertain significance for Ataxia-telangiectasia syndrome. Last evaluated: 2024-12-29. Review status: criteria provided, single submitter. Criteria: Invitae Variant Classification Sherloc (09022015). Collection method: clinical testing. Allele origin: germline.
Comment: This sequence change replaces leucine, which is neutral and non-polar, with proline, which is neutral and non-polar, at codon 2416 of the ATM protein (p.Leu2416Pro). This variant is not present in population databases (gnomAD no frequency). This variant has not been reported in the literature in individuals affected with ATM-related conditions. ClinVar contains an entry for this variant (Variation ID: 2568238). Invitae Evidence Modeling of protein sequence and biophysical properties (such as structural, functional, and spatial information, amino acid conservation, physicochemical variation, residue mobility, and thermodynamic stability) indicates that this missense variant is expected to disrupt ATM protein function with a positive predictive value of 80%. In summary, the available evidence is currently insufficient to determine the role of this variant in disease. Therefore, it has been classified as a Variant of Uncertain Significance.

Ambry Genetics
Classification: Uncertain significance for Hereditary cancer-predisposing syndrome. Last evaluated: 2023-06-09. Review status: criteria provided, single submitter. Criteria: Ambry Variant Classification Scheme 2023. Collection method: clinical testing. Allele origin: germline.
Comment: The p.L2416P variant (also known as c.7247T>C), located in coding exon 48 of the ATM gene, results from a T to C substitution at nucleotide position 7247. The leucine at codon 2416 is replaced by proline, an amino acid with similar properties. This variant was identified in a cohort of 882 Chinese individuals with a personal and/or family history of breast or ovarian cancers who underwent multi-gene panel testing for HBOC risk assessment (Shao D et al. Cancer Sci, 2020 Feb;111:647-657). This amino acid position is highly conserved in available vertebrate species. In addition, this alteration is predicted to be deleterious by in silico analysis. Since supporting evidence is limited at this time, the clinical significance of this alteration remains unclear.

Literature cited by the submitters: PubMed 31742824 (cited by Ambry Genetics).

NM_000051.4(ATM):c.7247T>C (p.Leu2416Pro)

Genes: ATM (ATM serine/threonine kinase; plus strand), C11orf65 (chromosome 11 open reading frame 65; minus strand). Cytogenetic location: 11q22.3.
Variant type: single nucleotide variant.
Coding change: c.7247T>C on transcript NM_000051.4 (MANE Select); coding-DNA position 7247, T replaced by C.
Protein change: p.Leu2416Pro; replaces leucine 2416 with proline.
Molecular consequence: missense variant. On other transcripts: intron variant (2).
Genome position (GRCh38, 1-based): chr11:108,329,178, T>C. VCF-style: chr11-108329178-T-C. GRCh37 (hg19) VCF-style: chr11-108199905-T-C.
Other names: c.7247T>C, p.Leu2416Pro (NM_001351834.2); c.641-20107A>G (NM_001330368.2); c.*38+6042A>G (NM_001351110.2); short protein forms L2416P.
Identifiers: ClinVar variation 2568238 (VCV002568238.4), dbSNP rs2136420251, ClinGen allele CA382559716.